The following is an entry in ClinVar:

NM_014806.5(RUSC2):c.751C>T (p.Arg251Cys)

Gene: RUSC2 (RUN and SH3 domain containing 2; plus strand). Cytogenetic location: 9p13.3.
Variant type: single nucleotide variant.
Coding change: c.751C>T on transcript NM_014806.5 (MANE Select); coding-DNA position 751, C replaced by T.
Protein change: p.Arg251Cys; replaces arginine 251 with cysteine.
Molecular consequence: missense variant. On other transcripts: non-coding transcript variant (1), intron variant (1).
Genome position (GRCh38, 1-based): chr9:35,547,272, C>T. VCF-style: chr9-35547272-C-T. GRCh37 (hg19) VCF-style: chr9-35547269-C-T.
Other names: c.751C>T, p.Arg251Cys (NM_001135999.2); c.-620-7788C>T (NM_001330740.2); short protein forms R251C.
Identifiers: ClinVar variation 1469005 (VCV001469005.3), dbSNP rs200783679, ClinGen allele CA5043525.

ClinVar aggregate classification (germline): Uncertain significance (1 of 4 stars; one submission).

Allele frequency attached by ClinVar (database versions not stated): gnomAD exomes 0.00004 and 0.00009; gnomAD 0.00005; TOPMed 0.00005; ExAC 0.00009; 1000 Genomes Project 30x 0.00016; 1000 Genomes Project 0.00020.
gnomAD v4.1: 70 of 1,614,178 alleles (0.0043%); highest among the groups gnomAD compares: Middle Eastern, 0.12%; no homozygotes.

Submission:

Labcorp Genetics (formerly Invitae), Labcorp
Classification: Uncertain significance. Last evaluated: 2022-08-10. Review status: criteria provided, single submitter. Criteria: Invitae Variant Classification Sherloc (09022015). Collection method: clinical testing. Allele origin: germline.
Comment: This sequence change replaces arginine, which is basic and polar, with cysteine, which is neutral and slightly polar, at codon 251 of the RUSC2 protein (p.Arg251Cys). This variant is present in population databases (rs200783679, gnomAD 0.08%). This variant has not been reported in the literature in individuals affected with RUSC2-related conditions. ClinVar contains an entry for this variant (Variation ID: 1469005). Algorithms developed to predict the effect of missense changes on protein structure and function are either unavailable or do not agree on the potential impact of this missense change (SIFT: "Deleterious"; PolyPhen-2: "Benign"; Align-GVGD: "Class C15"). In summary, the available evidence is currently insufficient to determine the role of this variant in disease. Therefore, it has been classified as a Variant of Uncertain Significance.